The following is an entry in ClinVar:

NM_000138.5(FBN1):c.7649G>C (p.Cys2550Ser)

Gene: FBN1 (fibrillin 1; minus strand). Cytogenetic location: 15q21.1.
Variant type: single nucleotide variant.
Coding change: c.7649G>C on transcript NM_000138.5 (MANE Select); coding-DNA position 7649, G replaced by C.
Protein change: p.Cys2550Ser; replaces cysteine 2550 with serine.
Molecular consequence: missense variant.
Genome position (GRCh38, 1-based): chr15:48,421,608, C>G on the plus strand (G>C on the coding strand, the complement: FBN1 is on the minus strand). VCF-style: chr15-48421608-C-G. GRCh37 (hg19) VCF-style: chr15-48713805-C-G.
Other names: short protein forms C2550S.
Identifiers: ClinVar variation 519756 (VCV000519756.5), dbSNP rs1555394196, ClinGen allele CA392325128.

ClinVar aggregate classification (germline): Likely pathogenic (1 of 4 stars; one submission).

Conditions:
Familial thoracic aortic aneurysm and aortic dissection (TAAD). Also called: Thoracic aortic aneurysms and dissections. Identifiers: Orphanet 91387, MedGen C4707243, MONDO:0019625.

Submission:

Ambry Genetics
Classification: Likely pathogenic for Familial thoracic aortic aneurysm and aortic dissection. Last evaluated: 2017-02-02. Review status: criteria provided, single submitter. Criteria: Ambry Variant Classification Scheme 2023. Collection method: clinical testing. Allele origin: germline.
Comment: The p.C2550S variant (also known as c.7649G>C), located in coding exon 61 of the FBN1 gene, results from a G to C substitution at nucleotide position 7649. The cysteine at codon 2550 is replaced by serine, an amino acid with dissimilar properties, and is located in the cb EGF-like #40 domain. Internal structural analysis indicates this alteration would lead to the loss of an important structural motif in the cbEGF-like domain, and the majority of FBN1 mutations identified to date have involved the substitution or generation of cysteine residues within cbEGF domains (Vollbrandt T et al. J Biol Chem. 2004;279(31):32924-32931; Jensen SA. Structure. 2009;17(5):759-68). In addition, an alteration at the same amino acid position, C2550Y, has been identified in an individual reported to have Marfan syndrome (Pees C et al. Clin Genet. 2014;86:552-7). This amino acid position is highly conserved in available vertebrate species. In addition, this alteration is predicted to be deleterious by in silico analysis. Based on the majority of available evidence to date, this variant is likely to be pathogenic.

Literature cited by the submitters: PubMed 19446531; PubMed 24199744.